The following is an entry in ClinVar:

ClinVar aggregate classification (germline): Uncertain significance (1 of 4 stars; one submission).

Submission:

Labcorp Genetics (formerly Invitae), Labcorp
Classification: Uncertain significance. Last evaluated: 2026-01-06. Review status: criteria provided, single submitter. Criteria: Invitae Variant Classification Sherloc (09022015). Collection method: clinical testing. Allele origin: germline.
Comment: This sequence change falls in intron 8 of the FH gene. It does not directly change the encoded amino acid sequence of the FH protein. This variant is not present in population databases (gnomAD no frequency). This variant has not been reported in the literature in individuals affected with FH-related conditions. Experimental studies and prediction algorithms are not available or were not evaluated, and the effect of this variant on mRNA splicing is currently unknown. In summary, the available evidence is currently insufficient to determine the role of this variant in disease. Therefore, it has been classified as a Variant of Uncertain Significance.

NM_000143.4(FH):c.1237-9_1237-8insCTCTCTCTCTCTCC

Gene: FH (fumarate hydratase; minus strand). Cytogenetic location: 1q43.
Variant type: Insertion.
Coding change: c.1237-9_1237-8insCTCTCTCTCTCTCC on transcript NM_000143.4 (MANE Select); 9 bases into the intron before coding-DNA position 1237 through 8 bases into the intron before coding-DNA position 1237, CTCTCTCTCTCTCC inserted.
Molecular consequence: intron variant.
Genome position: GRCh38 VCF-style: chr1-241500598-T-TGAGGGAGAGAGAGA. GRCh37 (hg19) VCF-style: chr1-241663898-T-TGAGGGAGAGAGAGA.
Identifiers: ClinVar variation 4718873 (VCV004718873.1).